The following is an entry in ClinVar:

NM_001378454.1(ALMS1):c.1832C>G (p.Thr611Arg)

Gene: ALMS1 (ALMS1 centrosome and basal body associated protein; plus strand). Cytogenetic location: 2p13.1.
Variant type: single nucleotide variant.
Coding change: c.1832C>G on transcript NM_001378454.1 (MANE Select); coding-DNA position 1832, C replaced by G.
Protein change: p.Thr611Arg; replaces threonine 611 with arginine.
Molecular consequence: missense variant.
Genome position (GRCh38, 1-based): chr2:73,448,359, C>G. VCF-style: chr2-73448359-C-G. GRCh37 (hg19) VCF-style: chr2-73675486-C-G.
Other names: c.1835C>G, p.Thr612Arg (NM_015120.4); short protein forms T611R, T612R.
Identifiers: ClinVar variation 1442017 (VCV001442017.7), dbSNP rs1382642304, ClinGen allele CA347265544.

ClinVar aggregate classification (germline): Uncertain significance. Review status: criteria provided, multiple submitters, no conflicts (2 of 4 stars). 2 submissions from 2 submitters: Uncertain significance (2). Last evaluated 2025-04-07.

Conditions:
Alstrom syndrome (ALMS). Identifiers: Orphanet 64, MedGen C0268425, MONDO:0008763, OMIM 203800.

Submissions (2):

Labcorp Genetics (formerly Invitae), Labcorp
Classification: Uncertain significance for Alstrom syndrome. Last evaluated: 2025-04-07. Review status: criteria provided, single submitter. Criteria: Invitae Variant Classification Sherloc (09022015). Collection method: clinical testing. Allele origin: germline.
Comment: This sequence change replaces threonine, which is neutral and polar, with arginine, which is basic and polar, at codon 612 of the ALMS1 protein (p.Thr612Arg). This variant is not present in population databases (gnomAD no frequency). This variant has not been reported in the literature in individuals affected with ALMS1-related conditions. ClinVar contains an entry for this variant (Variation ID: 1442017). Experimental studies and prediction algorithms are not available or were not evaluated, and the functional significance of this variant is currently unknown. In summary, the available evidence is currently insufficient to determine the role of this variant in disease. Therefore, it has been classified as a Variant of Uncertain Significance.

Blueprint Genetics
Classification: Uncertain significance. Last evaluated: 2019-02-26. Review status: criteria provided, single submitter. Criteria: ACMG Guidelines, 2015. Collection method: clinical testing. Allele origin: germline.